The following is an entry in ClinVar:

NM_007208.4(MRPL3):c.398C>T (p.Thr133Met)

Gene: MRPL3 (mitochondrial ribosomal protein L3; minus strand). Cytogenetic location: 3q22.1.
Variant type: single nucleotide variant.
Coding change: c.398C>T on transcript NM_007208.4 (MANE Select); coding-DNA position 398, C replaced by T.
Protein change: p.Thr133Met; replaces threonine 133 with methionine.
Molecular consequence: missense variant.
Genome position (GRCh38, 1-based): chr3:131,498,249, G>A on the plus strand (C>T on the coding strand, the complement: MRPL3 is on the minus strand). VCF-style: chr3-131498249-G-A. GRCh37 (hg19) VCF-style: chr3-131217093-G-A.
Other names: c.398C>T (NM_007208.3); short protein forms T133M.
Identifiers: ClinVar variation 2170109 (VCV002170109.5), dbSNP rs753788762, ClinGen allele CA2617130.
Genomic context (GRCh38, chr3:131,498,249, plus strand): 5'-GATACAGTTTTTCCTCCTACAGACAGGGTTGCCATTTTTCCATTACAGTTTTCCTTTGAC[G>A]TATATTTTAAGACATGACAGTCTTGTACCTAAAAAAACAAACATAAAAAAACTAAGCATG-3'
Protein context (NP_009139.1, residues 123-143): QVQDCHVLKY[Thr133Met]SKENCNGKMA

ClinVar aggregate classification (germline): Uncertain significance. Review status: criteria provided, multiple submitters, no conflicts (2 of 4 stars). 2 submissions from 2 submitters: Uncertain significance (2). Last evaluated 2026-04-05.

Allele frequency attached by ClinVar (database versions not stated): gnomAD 0.00001; TOPMed 0.00002; gnomAD exomes 0.00002.
gnomAD v4.1: 25 of 1,610,066 alleles (0.0016%); highest among the groups gnomAD compares: Admixed American, 0.012%; no homozygotes.

Submissions (2):

GeneDx
Classification: Uncertain significance. Last evaluated: 2026-04-05. Review status: criteria provided, single submitter. Criteria: GeneDx Variant Classification Process June 2021. Collection method: clinical testing. Allele origin: germline.
Comment: In silico analysis supports that this missense variant has a deleterious effect on protein structure/function; Has not been previously published as pathogenic or benign to our knowledge

Labcorp Genetics (formerly Invitae), Labcorp
Classification: Uncertain significance. Last evaluated: 2024-10-16. Review status: criteria provided, single submitter. Criteria: Invitae Variant Classification Sherloc (09022015). Collection method: clinical testing. Allele origin: germline.
Comment: This sequence change replaces threonine, which is neutral and polar, with methionine, which is neutral and non-polar, at codon 133 of the MRPL3 protein (p.Thr133Met). This variant is present in population databases (rs753788762, gnomAD 0.02%). This variant has not been reported in the literature in individuals affected with MRPL3-related conditions. ClinVar contains an entry for this variant (Variation ID: 2170109). Invitae Evidence Modeling of protein sequence and biophysical properties (such as structural, functional, and spatial information, amino acid conservation, physicochemical variation, residue mobility, and thermodynamic stability) indicates that this missense variant is not expected to disrupt MRPL3 protein function with a negative predictive value of 80%. In summary, the available evidence is currently insufficient to determine the role of this variant in disease. Therefore, it has been classified as a Variant of Uncertain Significance.